The following is an entry in ClinVar:

NM_001267550.2(TTN):c.91038T>A (p.Asp30346Glu)

Genes: TTN (titin; minus strand), TTN-AS1 (TTN antisense RNA 1; plus strand). Cytogenetic location: 2q31.2.
Variant type: single nucleotide variant.
Coding change: c.91038T>A on transcript NM_001267550.2 (MANE Select); coding-DNA position 91038, T replaced by A.
Protein change: p.Asp30346Glu; replaces aspartic acid 30346 with glutamic acid.
Molecular consequence: missense variant.
Genome position (GRCh38, 1-based): chr2:178,551,862, A>T on the plus strand (T>A on the coding strand, the complement: TTN is on the minus strand). VCF-style: chr2-178551862-A-T. GRCh37 (hg19) VCF-style: chr2-179416589-A-T.
Other names: c.86115T>A, p.Asp28705Glu (NM_001256850.1); c.63843T>A, p.Asp21281Glu (NM_003319.4); c.83334T>A, p.Asp27778Glu (NM_133378.4); c.64218T>A, p.Asp21406Glu (NM_133432.3); c.64419T>A, p.Asp21473Glu (NM_133437.4); short protein forms D27778E, D21281E, D21406E, D21473E, D30346E, D28705E.
Identifiers: ClinVar variation 4985745 (VCV004985745.1).

ClinVar aggregate classification (germline): Uncertain significance (1 of 4 stars; one submission).

Conditions:
TTN-related disorder. Also called: TTN-related disorders; TTN-related condition; TTN-related disease.

gnomAD v4.1: 5 of 1,613,794 alleles (0.00031%); highest among the groups gnomAD compares: Non-Finnish European, 0.00042%; no homozygotes.

Submission:

PreventionGenetics, part of Exact Sciences
Classification: Uncertain significance for TTN-related condition. Last evaluated: 2026-03-24. Review status: criteria provided, single submitter. Criteria: ACMG Guidelines, 2015. Collection method: clinical testing. Allele origin: germline.
Comment: The TTN c.91038T>A variant is predicted to result in the amino acid substitution p.Asp30346Glu. To our knowledge, this variant has not been reported in the literature. This variant is reported in 0.0065% of alleles in individuals of European (Non-Finnish) descent in gnomAD. At this time, the clinical significance of this variant is uncertain due to the absence of conclusive functional and genetic evidence.